The following is an entry in ClinVar:

ClinVar aggregate classification (germline): Uncertain significance (0 of 4 stars; one submission).

Conditions:
MAPK8IP3-related disorder. Also called: MAPK8IP3-related condition.

Submission:

PreventionGenetics, part of Exact Sciences
Classification: Uncertain significance for MAPK8IP3-related condition. Last evaluated: 2024-07-02. Review status: no assertion criteria provided. Collection method: clinical testing. Allele origin: germline.
Comment: The MAPK8IP3 c.3449C>T variant is predicted to result in the amino acid substitution p.Ala1150Val. To our knowledge, this variant has not been reported in the literature or in a large population database, indicating this variant is rare. At this time, the clinical significance of this variant is uncertain due to the absence of conclusive functional and genetic evidence.

NM_001318852.2(MAPK8IP3):c.3449C>T (p.Ala1150Val)

Gene: MAPK8IP3 (mitogen-activated protein kinase 8 interacting protein 3; plus strand). Cytogenetic location: 16p13.3.
Variant type: single nucleotide variant.
Coding change: c.3449C>T on transcript NM_001318852.2 (MANE Select); coding-DNA position 3449, C replaced by T.
Protein change: p.Ala1150Val; replaces alanine 1150 with valine.
Molecular consequence: missense variant.
Genome position (GRCh38, 1-based): chr16:1,767,844, C>T. VCF-style: chr16-1767844-C-T. GRCh37 (hg19) VCF-style: chr16-1817845-C-T.
Other names: c.3428C>T, p.Ala1143Val (NM_001040439.2); c.3446C>T, p.Ala1149Val (NM_015133.5); short protein forms A1143V, A1149V, A1150V.
Identifiers: ClinVar variation 3358499 (VCV003358499.1).